The following is an entry in ClinVar:

NM_000021.4(PSEN1):c.701C>T (p.Ala234Val)

Gene: PSEN1 (presenilin 1; plus strand). Cytogenetic location: 14q24.2.
Variant type: single nucleotide variant.
Coding change: c.701C>T on transcript NM_000021.4 (MANE Select); coding-DNA position 701, C replaced by T.
Protein change: p.Ala234Val; replaces alanine 234 with valine.
Molecular consequence: missense variant.
Genome position (GRCh38, 1-based): chr14:73,192,796, C>T. VCF-style: chr14-73192796-C-T. GRCh37 (hg19) VCF-style: chr14-73659504-C-T.
Other names: c.689C>T, p.Ala230Val (NM_007318.3); short protein forms A230V, A234V.
Identifiers: ClinVar variation 4849954 (VCV004849954.1).

ClinVar aggregate classification (germline): Likely pathogenic (0 of 4 stars; one submission).

Conditions:
Alzheimer disease 3 (AD3). Also called: ALZHEIMER DISEASE, FAMILIAL, 3. Identifiers: Orphanet 1020, MedGen C1843013, MONDO:0011913, OMIM 607822.

gnomAD v4.1: 1 of 1,613,932 alleles (0.000062%); highest among the groups gnomAD compares: Non-Finnish European, 0.000085%; no homozygotes.

Submission:

Medical Genetics Unit, Mauro Baschirotto Institute for Rare Disease
Classification: Likely pathogenic for Alzheimer disease 3. Last evaluated: 2026-04-20. Review status: no assertion criteria provided. Collection method: clinical testing. Allele origin: germline. Affected: yes. Observed: 1 variant allele.
Comment: This variant was interpreted by the AD-FTD Italian Consortium, including the following participating institutions: Mauro Baschirotto Institute for Rare Disease, Medical Genetics Unit (Dr Paola de Gemmis, Dr Daniela Segat, Dr Chiara Stefani); Neurology Unit, Department of Biomedicine, Neurosciences and Advanced Diagnostics, University of Palermo, Italy (Dr Tommaso Piccoli); Neurology Unit, Santa Maria della Misericordia Hospital, Perugia, Italy (Dr Lorenzo Gaetani). The participating laboratories jointly contributed to patient recruitment, clinical data collection, and variant interpretation and classification.The variant c.701C>T in PSEN1 results in the substitution of a highly conserved, small nonpolar alanine residue with a nonpolar valine at codon 234 of presenilin-1. This is a missense change between two apolar residues. This change has not been published as a pathogenic variant, nor has it been reported as a benign variant to our knowledge. As far as we know, this variant has not been reported in the literature and has an extremely low frequence, 0.000068%, and no homozygous individuals reported in a large population database. Missense variants in this gene are a common cause of disease and they are underrepresented in the general population. Non-truncating non-synonymous variant, in exon 7 hotspot (with 34 pathogenic or likely pathogenic reported variants found in a 155bp region surrounding this variant, without any missense benign variants). Codon 234 is located between two codons in which pathogenic mutations are known (p.Met233Val, Leu235Pro). Also, computational prediction tools unanimously support a deleterious effect on the gene, predicting a deleterious effect: in detail, REVEL (deleterious strong score 0.95), FATHMM score -6.61, CADD score 26.3, Mutation Taster (deleterious, score 1). All these data suggest a likely pathogenic classification even if further functional data are required to assess the pathogenicity of this variant.